The following is an entry in ClinVar:

ClinVar aggregate classification (germline): Likely benign (1 of 4 stars; one submission).

Submission:

CeGaT Center for Human Genetics Tuebingen
Classification: Likely benign. Last evaluated: 2025-07-01. Review status: criteria provided, single submitter. Criteria: CeGaT Center For Human Genetics Tuebingen Variant Classification Criteria Version 2. Collection method: clinical testing. Allele origin: germline. Affected: yes. Observed: 1 variant allele.
Comment: MUC4: BP4, BP7

NM_018406.7(MUC4):c.11976A>G (p.Ser3992=)

Gene: MUC4 (mucin 4, cell surface associated). Cytogenetic location: 3q29.
Variant type: single nucleotide variant.
Coding change: c.11976A>G on transcript NM_018406.7 (MANE Select); coding-DNA position 11976, A replaced by G.
Protein change: p.Ser3992=; no amino-acid change (serine 3992 retained).
Molecular consequence: synonymous variant. On other transcripts: intron variant (2).
Genome position (GRCh38, 1-based): chr3:195,779,604, T>C on the plus strand (A>G on the coding strand, the complement: MUC4 is on the minus strand). VCF-style: chr3-195779604-T-C. GRCh37 (hg19) VCF-style: chr3-195506475-T-C.
Other names: c.83-5299A>G (NM_138297.5); c.83-1149A>G (NM_004532.6).
Identifiers: ClinVar variation 4084151 (VCV004084151.8).
Genomic context (GRCh38, chr3:195,779,604, plus strand): 5'-ACCTGTAGATACTGAGGAAGTGCTGGTGACAGGAAGAGGGGTGGCGTGACCTGTGGATAC[T>C]GAGGAAGTGTCGGTGACAGGAAGGGGGGTGGCGTGACCTGTGGATGCTGAGGAACGGCTG-3'
Protein context (NP_060876.5, residues 3982-4002): ATPLPVTDTS[Ser3992=]VSTGHATPLP